The following is an entry in ClinVar:

ClinVar aggregate classification (germline): Uncertain significance (1 of 4 stars; one submission).

Conditions:
BDNF-related disorder. Also called: BDNF-related condition.

gnomAD v4.1: 3 of 1,614,084 alleles (0.00019%); highest among the groups gnomAD compares: Admixed American, 0.0017%; no homozygotes.

Submission:

PreventionGenetics, part of Exact Sciences
Classification: Uncertain significance for BDNF-related condition. Last evaluated: 2026-01-23. Review status: criteria provided, single submitter. Criteria: ACMG Guidelines, 2015. Collection method: clinical testing. Allele origin: germline.
Comment: The BDNF c.355G>A variant is predicted to result in the amino acid substitution p.Val119Met. To our knowledge, this variant has not been reported in the literature. This variant is reported in 0.0058% of alleles in individuals of Latino descent in gnomAD. At this time, the clinical significance of this variant is uncertain due to the absence of conclusive functional and genetic evidence.

NM_001709.5(BDNF):c.109G>A (p.Val37Met)

Genes: BDNF (brain derived neurotrophic factor; minus strand), BDNF-AS (BDNF antisense RNA; plus strand). Cytogenetic location: 11p14.1.
Variant type: single nucleotide variant.
Coding change: c.109G>A on transcript NM_001709.5 (MANE Select); coding-DNA position 109, G replaced by A.
Protein change: p.Val37Met; replaces valine 37 with methionine.
Molecular consequence: missense variant. On other transcripts: non-coding transcript variant (5).
Genome position (GRCh38, 1-based): chr11:27,658,456, C>T on the plus strand (G>A on the coding strand, the complement: BDNF is on the minus strand). VCF-style: chr11-27658456-C-T. GRCh37 (hg19) VCF-style: chr11-27680003-C-T.
Other names: c.109G>A, p.Val37Met (NM_001143805.1, NM_001143806.1, NM_001143807.2 and 9 more transcripts); c.196G>A, p.Val66Met (NM_001143809.2); c.355G>A, p.Val119Met (NM_001143810.2); c.133G>A, p.Val45Met (NM_170731.5); c.154G>A, p.Val52Met (NM_170734.4); short protein forms V45M, V119M, V52M, V37M, V66M.
Identifiers: ClinVar variation 4989028 (VCV004989028.1).